The following is an entry in ClinVar:

ClinVar aggregate classification (germline): Uncertain significance (1 of 4 stars; one submission).

gnomAD v4.1: 2 of 1,614,032 alleles (0.00012%); highest among the groups gnomAD compares: African/African-American, 0.0027%; no homozygotes.

Submission:

GeneDx
Classification: Uncertain significance. Last evaluated: 2026-04-13. Review status: criteria provided, single submitter. Criteria: GeneDx Variant Classification Process June 2021. Collection method: clinical testing. Allele origin: germline.
Comment: Not observed at significant frequency in large population cohorts (gnomAD); In silico analysis supports that this missense variant has a deleterious effect on protein structure/function; Has not been previously published as pathogenic or benign to our knowledge

NM_000069.3(CACNA1S):c.3316C>A (p.Pro1106Thr)

Gene: CACNA1S (calcium voltage-gated channel subunit alpha1 S; minus strand). Cytogenetic location: 1q32.1.
Variant type: single nucleotide variant.
Coding change: c.3316C>A on transcript NM_000069.3 (MANE Select); coding-DNA position 3316, C replaced by A.
Protein change: p.Pro1106Thr; replaces proline 1106 with threonine.
Molecular consequence: missense variant.
Genome position (GRCh38, 1-based): chr1:201,060,756, G>T on the plus strand (C>A on the coding strand, the complement: CACNA1S is on the minus strand). VCF-style: chr1-201060756-G-T. GRCh37 (hg19) VCF-style: chr1-201029884-G-T.
Other names: short protein forms P1106T.
Identifiers: ClinVar variation 5037116 (VCV005037116.1).